The following is an entry in ClinVar:

NM_015338.6(ASXL1):c.1618C>T (p.Pro540Ser)

Gene: ASXL1 (ASXL transcriptional regulator 1; plus strand). Cytogenetic location: 20q11.21.
Variant type: single nucleotide variant.
Coding change: c.1618C>T on transcript NM_015338.6 (MANE Select); coding-DNA position 1618, C replaced by T.
Protein change: p.Pro540Ser; replaces proline 540 with serine.
Molecular consequence: missense variant.
Genome position (GRCh38, 1-based): chr20:32,433,816, C>T. VCF-style: chr20-32433816-C-T. GRCh37 (hg19) VCF-style: chr20-31021619-C-T.
Other names: c.1435C>T, p.Pro479Ser (NM_001363734.1); short protein forms P479S, P540S.
Identifiers: ClinVar variation 3685108 (VCV003685108.3).
Genomic context (GRCh38, chr20:32,433,816, plus strand): 5'-AAGGATCAGAAGAGGAAATCCTTTGAGCAGGCGGCCTCTGCATCCTTTCCCGAAAAGAAG[C>T]CCCGGCTTGAAGATCGTCAGTCCTTTCGTAACACAATTGAAAGTGTTCACACCGAAAAGC-3'
Protein context (NP_056153.2, residues 530-550): AASASFPEKK[Pro540Ser]RLEDRQSFRN

ClinVar aggregate classification (germline): Uncertain significance. Review status: criteria provided, multiple submitters, no conflicts (2 of 4 stars). 2 submissions from 2 submitters: Uncertain significance (2). Last evaluated 2025-03-24.

Conditions:
Inborn genetic diseases. Identifiers: MedGen C0950123, MeSH D030342.

gnomAD v4.1: 3 of 1,614,014 alleles (0.00019%); highest among the groups gnomAD compares: East Asian, 0.0067%; no homozygotes.

Submissions (2):

Ambry Genetics
Classification: Uncertain significance for Inborn genetic diseases. Last evaluated: 2025-03-24. Review status: criteria provided, single submitter. Criteria: Ambry Variant Classification Scheme 2023. Collection method: clinical testing. Allele origin: germline.
Comment: The p.P540S variant (also known as c.1618C>T), located in coding exon 12 of the ASXL1 gene, results from a C to T substitution at nucleotide position 1618. The proline at codon 540 is replaced by serine, an amino acid with similar properties. This amino acid position is conserved. In addition, this alteration is predicted to be tolerated by in silico analysis. Based on the available evidence, the clinical significance of this variant remains unclear.

Labcorp Genetics (formerly Invitae), Labcorp
Classification: Uncertain significance. Last evaluated: 2024-11-18. Review status: criteria provided, single submitter. Criteria: Invitae Variant Classification Sherloc (09022015). Collection method: clinical testing. Allele origin: germline.
Comment: This sequence change replaces proline, which is neutral and non-polar, with serine, which is neutral and polar, at codon 540 of the ASXL1 protein (p.Pro540Ser). This variant is present in population databases (no rsID available, gnomAD 0.006%). This variant has not been reported in the literature in individuals affected with ASXL1-related conditions. An algorithm developed to predict the effect of missense changes on protein structure and function (PolyPhen-2) suggests that this variant is likely to be disruptive. In summary, the available evidence is currently insufficient to determine the role of this variant in disease. Therefore, it has been classified as a Variant of Uncertain Significance.